The following is an entry in ClinVar:

NM_001386298.1(CIC):c.4190A>G (p.Lys1397Arg)

Gene: CIC (capicua transcriptional repressor; plus strand). Cytogenetic location: 19q13.2.
Variant type: single nucleotide variant.
Coding change: c.4190A>G on transcript NM_001386298.1 (MANE Select); coding-DNA position 4190, A replaced by G.
Protein change: p.Lys1397Arg; replaces lysine 1397 with arginine.
Molecular consequence: missense variant.
Genome position (GRCh38, 1-based): chr19:42,289,950, A>G. VCF-style: chr19-42289950-A-G. GRCh37 (hg19) VCF-style: chr19-42794102-A-G.
Other names: c.4190A>G, p.Lys1397Arg (NM_001304815.2, NM_001379480.1, NM_001379482.1 and 6 more transcripts); c.1463A>G, p.Lys488Arg (NM_001379484.1, NM_001379485.1, NM_001439189.1 and 3 more transcripts); short protein forms K1397R, K488R.
Identifiers: ClinVar variation 4975743 (VCV004975743.1).

ClinVar aggregate classification (germline): Uncertain significance (1 of 4 stars; one submission).

Submission:

GeneDx
Classification: Uncertain significance. Last evaluated: 2026-01-27. Review status: criteria provided, single submitter. Criteria: GeneDx Variant Classification Process June 2021. Collection method: clinical testing. Allele origin: germline.
Comment: Not observed at significant frequency in large population cohorts (gnomAD); In silico analysis suggests that this missense variant does not alter protein structure/function; Has not been previously published as pathogenic or benign to our knowledge